The following is an entry in ClinVar:

ClinVar aggregate classification (germline): Benign (3 of 4 stars; one submission).

Conditions:
Breast-ovarian cancer, familial, susceptibility to, 1 (BROVCA1). Also called: BRCA1 Hereditary Breast and Ovarian Cancer; OVARIAN CANCER, SUSCEPTIBILITY TO. Identifiers: Orphanet 145, MedGen C2676676, MONDO:0011450, OMIM 604370. Disease mechanism: loss of function.

Submission:

Evidence-based Network for the Interpretation of Germline Mutant Alleles (ENIGMA)
Classification: Benign for Breast-ovarian cancer, familial, susceptibility to, 1. Last evaluated: 2016-09-28. Review status: reviewed by expert panel. Criteria: ENIGMA BRCA1/2 Classification Criteria (2015). Collection method: curation. Allele origin: germline.
Comment: Class 1 not pathogenic based on frequency >1% in an outbred sampleset. Frequency 0.3956 (African), 0.0274 (Admixed American/Latino), 0.0327 (South Asian), derived from 1000 genomes (2013-05-02).

NM_007294.4(BRCA1):c.134+2349GAAAA[2]

Gene: BRCA1 (BRCA1 DNA repair associated; minus strand). Cytogenetic location: 17q21.31.
Variant type: Microsatellite.
Coding change: c.134+2349GAAAA[2] on transcript NM_007294.4 (MANE Select); two copies in a row of the 5-base unit GAAAA starting at c.134+2349; the reference has three copies in a row; one copy, 5 bases deleted.
Molecular consequence: intron variant.
Genome position (GRCh38, 1-based): chr17:43,113,363-43,113,367, TTTTC deleted on the plus strand (GAAAA on the coding strand, the reverse complement: BRCA1 is on the minus strand); deleting any 5 consecutive bases within chr17:43,113,363-43,113,381 gives the same sequence; the position shown is the placement nearest the transcript's 3' end. VCF-style (leftmost placement, unchanged base first): chr17-43113362-ATTTTC-A. GRCh37 (hg19) VCF-style: chr17-41265379-ATTTTC-A.
Other names: c.134+2359_134+2363del (NM_007294.3); c.-8+2349GAAAA[2] (NM_001408458.1, NM_001408470.1, NM_001407848.1 and 47 more transcripts); c.-219+11900GAAAA[2] (NM_001407967.1); c.-169-8421GAAAA[2] (NM_001407959.1, NM_001407963.1); c.-7-6844GAAAA[2] (NM_001407931.1, NM_001407747.1, NM_001408461.1 and 30 more transcripts); c.-170+2349GAAAA[2] (NM_001407962.1, NM_001408512.1, NM_001408510.1 and 1 more transcripts); c.-55+2349GAAAA[2] (NM_001407885.1, NM_001407886.1, NM_001408509.1 and 52 more transcripts); c.-124+2349GAAAA[2] (NM_001407746.1, NM_001408468.1, NM_001407842.1 and 13 more transcripts); and 10 more.
Identifiers: ClinVar variation 264825 (VCV000264825.2), dbSNP rs139811854, ClinGen allele CA10588252.